The following is an entry in ClinVar:

ClinVar aggregate classification (germline): Uncertain significance (1 of 4 stars; one submission).

Conditions:
Menkes kinky-hair syndrome (MNK). Also called: Classic Menkes Disease; Copper transport disease; Menkes Disease. Identifiers: Orphanet 565, MedGen C0022716, MONDO:0010651, OMIM 309400.
X-linked distal spinal muscular atrophy type 3. Also called: NEURONOPATHY, DISTAL HEREDITARY MOTOR, X-LINKED; NEUROPATHY, DISTAL HEREDITARY MOTOR, X-LINKED; ATP7A-Related Distal Motor Neuropathy; SPINAL MUSCULAR ATROPHY, DISTAL, X-LINKED RECESSIVE. Identifiers: Orphanet 139557, MedGen C1845359, MONDO:0010338, OMIM 300489.
Cutis laxa, X-linked (OHS). Also called: EDS IX; Occipital horn syndrome. Identifiers: Orphanet 198, MedGen C0268353, MONDO:0010572, OMIM 304150.

Submission:

Labcorp Genetics (formerly Invitae), Labcorp
Classification: Uncertain significance for X-linked distal spinal muscular atrophy type 3; Cutis laxa, X-linked; Menkes kinky-hair syndrome. Last evaluated: 2021-09-15. Review status: criteria provided, single submitter. Criteria: Invitae Variant Classification Sherloc (09022015). Collection method: clinical testing. Allele origin: germline.
Comment: This variant results in a copy number gain of the genomic region encompassing exon(s) 13-23 of the ATP7A gene. This region includes the termination codon of the gene. This copy number gain extends beyond the assayed region for this gene and therefore may encompass additional genes. As the precise location of this event is unknown, it may be in tandem or it may be located elsewhere in the genome. This variant has not been reported in the literature in individuals affected with ATP7A-related conditions. Experimental studies and prediction algorithms are not available or were not evaluated, and the functional significance of this variant is currently unknown. In summary, the available evidence is currently insufficient to determine the role of this variant in disease. Therefore, it has been classified as a Variant of Uncertain Significance.

NC_000023.10:g.(?_77275731)_(77302067_?)dup

Gene: ATP7A (ATPase copper transporting alpha; plus strand). Cytogenetic location: Xq21.1.
Variant type: Duplication.
Identifiers: ClinVar variation 1509716 (VCV001509716.1).